The following is an entry in ClinVar:

NM_002693.3(POLG):c.2952G>C (p.Gln984His)

Gene: POLG (DNA polymerase gamma, catalytic subunit; minus strand). Cytogenetic location: 15q26.1.
Variant type: single nucleotide variant.
Coding change: c.2952G>C on transcript NM_002693.3 (MANE Select); coding-DNA position 2952, G replaced by C.
Protein change: p.Gln984His; replaces glutamine 984 with histidine.
Molecular consequence: missense variant.
Genome position (GRCh38, 1-based): chr15:89,320,795, C>G on the plus strand (G>C on the coding strand, the complement: POLG is on the minus strand). VCF-style: chr15-89320795-C-G. GRCh37 (hg19) VCF-style: chr15-89864026-C-G.
Other names: c.2952G>C, p.Gln984His (NM_001126131.2); short protein forms Q984H.
Identifiers: ClinVar variation 1798074 (VCV001798074.2), dbSNP rs2055382962, ClinGen allele CA393752177.

ClinVar aggregate classification (germline): Uncertain significance (1 of 4 stars; one submission).

Conditions:
Inborn genetic diseases. Identifiers: MedGen C0950123, MeSH D030342.

Allele frequency attached by ClinVar (database versions not stated): TOPMed below 0.00001.

Submission:

Ambry Genetics
Classification: Uncertain significance for Inborn genetic diseases. Last evaluated: 2019-05-31. Review status: criteria provided, single submitter. Criteria: Ambry Variant Classification Scheme 2023. Collection method: clinical testing. Allele origin: germline.
Comment: The p.Q984H variant (also known as c.2952G>C), located in coding exon 17 of the POLG gene, results from a G to C substitution at nucleotide position 2952. The glutamine at codon 984 is replaced by histidine, an amino acid with highly similar properties. This amino acid position is highly conserved in available vertebrate species. In addition, this alteration is predicted to be deleterious by in silico analysis. Since supporting evidence is limited at this time, the clinical significance of this alteration remains unclear.